The following is an entry in ClinVar:

ClinVar aggregate classification (germline): Benign. Review status: criteria provided, multiple submitters, no conflicts (2 of 4 stars). 2 submissions from 2 submitters: Benign (2). Last evaluated 2018-01-13.

Conditions:
Myoglobinuria, acute recurrent, autosomal recessive. Also called: MYOGLOBINURIA, FAMILIAL PAROXYSMAL PARALYTIC; RHABDOMYOLYSIS, ACUTE RECURRENT; Myoglobinuria, recurrent, autosomal recessive. Identifiers: Orphanet 99845, MedGen C1849386, MONDO:0009992, OMIM 268200.

Allele frequency attached by ClinVar (database versions not stated): 1000 Genomes Project 30x 0.03607; 1000 Genomes Project 0.03754; gnomAD exomes 0.04464; TOPMed 0.06035; gnomAD 0.06326 and 0.06359.
gnomAD v4.1: 9,670 of 152,508 alleles (6.3%); highest among the groups gnomAD compares: Middle Eastern, 12%; 452 homozygotes.

Submissions (2):

Illumina Laboratory Services, Illumina
Classification: Benign for Myoglobinuria, acute recurrent, autosomal recessive. Last evaluated: 2018-01-13. Review status: criteria provided, single submitter. Criteria: ICSL Variant Classification Criteria 13 December 2019. Collection method: clinical testing. Allele origin: germline.
Comment: This variant was observed in the ICSL laboratory as part of a predisposition screen in an ostensibly healthy population. It had not been previously curated by ICSL or reported in the Human Gene Mutation Database (HGMD: prior to June 1st, 2018), and was therefore a candidate for classification through an automated scoring system. Utilizing variant allele frequency, disease prevalence and penetrance estimates, and inheritance mode, an automated score was calculated to assess if this variant is too frequent to cause the disease. Based on the score and internal cut-off values, a variant classified as benign is not then subjected to further curation. The score for this variant resulted in a classification of benign for this disease.

Breakthrough Genomics
Classification: Benign. Review status: criteria provided, single submitter. Criteria: ACMG Guidelines, 2015. Collection method: not provided. Allele origin: germline. Inheritance: Autosomal recessive inheritance. Affected: yes.

NM_001349206.2(LPIN1):c.*2086C>G

Gene: LPIN1 (lipin 1; plus strand). Cytogenetic location: 2p25.1.
Variant type: single nucleotide variant.
Coding change: c.*2086C>G on transcript NM_001349206.2 (MANE Select); 2086 bases downstream of the stop codon, C replaced by G.
Molecular consequence: 3 prime UTR variant. On other transcripts: non-coding transcript variant (1).
Genome position (GRCh38, 1-based): chr2:11,826,877, C>G. VCF-style: chr2-11826877-C-G. GRCh37 (hg19) VCF-style: chr2-11967003-C-G.
Other names: c.*2086C>G (NM_001261427.3, NM_001261428.3, NM_001349199.2 and 9 more transcripts).
Identifiers: ClinVar variation 330953 (VCV000330953.6), dbSNP rs77333662, ClinGen allele CA10612092.
Genomic context (GRCh38, chr2:11,826,877, plus strand): 5'-CCCGAATTTTGATGTACCTTAAACTTCCACATCACTGCACCCTGAAACAGAGCATGCTTT[C>G]CAGAAAGTCACACTCTCAGATCTGTGTCAAGTTCAATGTGAGCCCTGGCAAGGCTGGCAT-3'